The following is an entry in ClinVar:

NM_013275.6(ANKRD11):c.226G>A (p.Glu76Lys)

Gene: ANKRD11 (ankyrin repeat domain 11; minus strand). Cytogenetic location: 16q24.3.
Variant type: single nucleotide variant.
Coding change: c.226G>A on transcript NM_013275.6 (MANE Select); coding-DNA position 226, G replaced by A.
Protein change: p.Glu76Lys; replaces glutamic acid 76 with lysine.
Molecular consequence: missense variant. On other transcripts: non-coding transcript variant (1).
Genome position (GRCh38, 1-based): chr16:89,305,206, C>T on the plus strand (G>A on the coding strand, the complement: ANKRD11 is on the minus strand). VCF-style: chr16-89305206-C-T. GRCh37 (hg19) VCF-style: chr16-89371614-C-T.
Other names: c.226G>A, p.Glu76Lys (NM_001256182.2, NM_001256183.2); short protein forms E76K.
Identifiers: ClinVar variation 521463 (VCV000521463.11), dbSNP rs1555535454, ClinGen allele CA397163853.
Genomic context (GRCh38, chr16:89,305,206, plus strand): 5'-CCTGGGCTGCTCCGGGCTGCCTGTGGAGGGCTGACTGCAGGAGGGGCCGCGGGCTGGTAC[C>T]TGTGTCCGAGTCCTTCTGCTCCCCATTGGCGCCCGCGGTGAAGGGCAGCTTCCGCTTGCT-3'
Protein context (NP_037407.4, residues 66-86): ANGEQKDSDT[Glu76Lys]KQGPERKRIK

ClinVar aggregate classification (germline): Pathogenic. Review status: criteria provided, multiple submitters, no conflicts (2 of 4 stars). 2 submissions from 2 submitters: Pathogenic (2). Last evaluated 2025-05-16.

Conditions:
Inborn genetic diseases. Identifiers: MedGen C0950123, MeSH D030342.
KBG syndrome (KBGS). Also called: ANKRD11-Related KBG Syndrome. Identifiers: Orphanet 2332, MedGen C0220687, MONDO:0007846, OMIM 148050.

Submissions (2):

Labcorp Genetics (formerly Invitae), Labcorp
Classification: Pathogenic for KBG syndrome. Last evaluated: 2025-05-16. Review status: criteria provided, single submitter. Criteria: Invitae Variant Classification Sherloc (09022015). Collection method: clinical testing. Allele origin: germline.
Comment: This sequence change replaces glutamic acid, which is acidic and polar, with lysine, which is basic and polar, at codon 76 of the ANKRD11 protein (p.Glu76Lys). This variant also falls at the last nucleotide of exon 4, which is part of the consensus splice site for this exon. This variant is not present in population databases (gnomAD no frequency). This missense change has been observed in individual(s) with KBG syndrome (PMID: 35861666; internal data). In at least one individual the variant was observed to be de novo. ClinVar contains an entry for this variant (Variation ID: 521463). An algorithm developed to predict the effect of missense changes on protein structure and function (PolyPhen-2) suggests that this variant is likely to be disruptive. Variants that disrupt the consensus splice site are a relatively common cause of aberrant splicing (PMID: 17576681, 9536098). Algorithms developed to predict the effect of sequence changes on RNA splicing suggest that this variant may disrupt the consensus splice site. For these reasons, this variant has been classified as Pathogenic.

Ambry Genetics
Classification: Pathogenic for Inborn genetic diseases. Last evaluated: 2019-06-10. Review status: criteria provided, single submitter. Criteria: Ambry exome assertion method (8-5-2015). Collection method: clinical testing. Allele origin: germline. Affected: yes. Observed: 1 variant allele.

Literature cited by the submitters: PubMed 35861666 (cited by Labcorp Genetics (formerly Invitae), Labcorp); PubMed 17576681 (cited by Labcorp Genetics (formerly Invitae), Labcorp); PubMed 9536098 (cited by Labcorp Genetics (formerly Invitae), Labcorp).